The following is an entry in ClinVar:

NM_005228.5(EGFR):c.2121G>A (p.Leu707=)

Gene: EGFR (epidermal growth factor receptor; plus strand). Cytogenetic location: 7p11.2.
Variant type: single nucleotide variant.
Coding change: c.2121G>A on transcript NM_005228.5 (MANE Select); coding-DNA position 2121, G replaced by A.
Protein change: p.Leu707=; no amino-acid change (leucine 707 retained).
Molecular consequence: synonymous variant.
Genome position (GRCh38, 1-based): chr7:55,173,980, G>A. VCF-style: chr7-55173980-G-A. GRCh37 (hg19) VCF-style: chr7-55241673-G-A.
Other names: c.1986G>A, p.Leu662= (NM_001346897.2, NM_001346899.2); c.2121G>A, p.Leu707= (NM_001346898.2); c.1962G>A, p.Leu654= (NM_001346900.2); c.1320G>A, p.Leu440= (NM_001346941.2).
Identifiers: ClinVar variation 1667686 (VCV001667686.9), dbSNP rs1786476304, ClinGen allele CA454979154.

ClinVar aggregate classification (germline): Benign/Likely benign. Review status: criteria provided, multiple submitters, no conflicts (2 of 4 stars). 2 submissions from 2 submitters: Benign (1); Likely benign (1). Last evaluated 2024-10-16.

Conditions:
Lung cancer. Also called: Lung cancer, somatic; Malignant tumor of lung. Identifiers: MedGen C0242379, MONDO:0008903, OMIM 211980.
EGFR-related lung cancer (EGFR). Identifiers: MedGen CN130014.

Allele frequency attached by ClinVar (database versions not stated): gnomAD exomes below 0.00001; TOPMed below 0.00001.
gnomAD v4.1: 3 of 1,614,234 alleles (0.00019%); highest among the groups gnomAD compares: African/African-American, 0.0013%; no homozygotes.

Submissions (2):

Myriad Genetics, Inc.
Classification: Benign for Lung cancer. Last evaluated: 2024-10-16. Review status: criteria provided, single submitter. Criteria: Myriad Autosomal Dominant, Autosomal Recessive and X-Linked Classification Criteria (2023). Collection method: clinical testing. Allele origin: unknown.
Comment: This variant is considered benign. This variant is a silent/synonymous amino acid change and it is not expected to impact splicing.

Labcorp Genetics (formerly Invitae), Labcorp
Classification: Likely benign for EGFR-related lung cancer. Last evaluated: 2022-01-26. Review status: criteria provided, single submitter. Criteria: Invitae Variant Classification Sherloc (09022015). Collection method: clinical testing. Allele origin: germline.